The following is an entry in ClinVar:

ClinVar aggregate classification (germline): Uncertain significance (1 of 4 stars; one submission).

gnomAD v4.1: 1 of 1,612,470 alleles (0.000062%); no homozygotes.

Submission:

Labcorp Genetics (formerly Invitae), Labcorp
Classification: Uncertain significance. Last evaluated: 2022-02-03. Review status: criteria provided, single submitter. Criteria: Invitae Variant Classification Sherloc (09022015). Collection method: clinical testing. Allele origin: germline.
Comment: In summary, the available evidence is currently insufficient to determine the role of this variant in disease. Therefore, it has been classified as a Variant of Uncertain Significance. Experimental studies and prediction algorithms are not available or were not evaluated, and the functional significance of this variant is currently unknown. This variant has not been reported in the literature in individuals affected with COL18A1-related conditions. This variant is not present in population databases (gnomAD no frequency). This sequence change replaces glycine, which is neutral and non-polar, with arginine, which is basic and polar, at codon 1307 of the COL18A1 protein (p.Gly1307Arg).

NM_001379500.1(COL18A1):c.3928G>C (p.Gly1310Arg)

Genes: COL18A1 (collagen type XVIII alpha 1 chain; plus strand), SLC19A1 (solute carrier family 19 member 1; minus strand). Cytogenetic location: 21q22.3.
Variant type: single nucleotide variant.
Coding change: c.3928G>C on transcript NM_001379500.1 (MANE Select); coding-DNA position 3928, G replaced by C.
Protein change: p.Gly1310Arg; replaces glycine 1310 with arginine.
Molecular consequence: missense variant.
Genome position (GRCh38, 1-based): chr21:45,512,306, G>C. VCF-style: chr21-45512306-G-C. GRCh37 (hg19) VCF-style: chr21-46932220-G-C.
Other names: c.4459G>C, p.Gly1487Arg (NM_030582.4); c.5164G>C, p.Gly1722Arg (NM_130444.3); short protein forms G1310R, G1722R, G1487R.
Identifiers: ClinVar variation 1408758 (VCV001408758.6), dbSNP rs374822514, ClinGen allele CA321927283.